The following is an entry in ClinVar:

NM_001038603.3(MARVELD2):c.1627A>T (p.Ile543Phe)

Gene: MARVELD2 (MARVEL domain containing 2; plus strand). Cytogenetic location: 5q13.2.
Variant type: single nucleotide variant.
Coding change: c.1627A>T on transcript NM_001038603.3 (MANE Select); coding-DNA position 1627, A replaced by T.
Protein change: p.Ile543Phe; replaces isoleucine 543 with phenylalanine.
Molecular consequence: missense variant.
Genome position (GRCh38, 1-based): chr5:69,441,604, A>T. VCF-style: chr5-69441604-A-T. GRCh37 (hg19) VCF-style: chr5-68737431-A-T.
Other names: c.1591A>T, p.Ile531Phe (NM_001244734.2); short protein forms I531F, I543F.
Identifiers: ClinVar variation 4536322 (VCV004536322.2).
Genomic context (GRCh38, chr5:69,441,604, plus strand): 5'-CTGGAAAAAAAAGAACGCTGTGATTACCTAAAGAATAAACTTTCTCACATAAAGCAAAGA[A>T]TTCAAGAATATGATAAAGTAATGAATTGGGATGTACAAGGTTATTCTTAACGCTTATTTG-3'
Protein context (NP_001033692.2, residues 533-553): KNKLSHIKQR[Ile543Phe]QEYDKVMNWD

ClinVar aggregate classification (germline): Uncertain significance. Review status: criteria provided, multiple submitters, no conflicts (2 of 4 stars). 2 submissions from 2 submitters: Uncertain significance (2). Last evaluated 2026-01-30.

Conditions:
MARVELD2-related disorder. Also called: MARVELD2-related condition.

Submissions (2):

PreventionGenetics, part of Exact Sciences
Classification: Uncertain significance for MARVELD2-related condition. Last evaluated: 2026-01-30. Review status: criteria provided, single submitter. Criteria: ACMG Guidelines, 2015. Collection method: clinical testing. Allele origin: germline.
Comment: The MARVELD2 c.1627A>T variant is predicted to result in the amino acid substitution p.Ile543Phe. This variant was reported in the homozygous state in an individual with hearing loss (Imizcoz et al. 2023. PubMed ID: 37811145). This variant is reported in 0.0029% of alleles in individuals of Latino descent in gnomAD. At this time, the clinical significance of this variant is uncertain due to the absence of conclusive functional and genetic evidence.

GeneDx
Classification: Uncertain significance. Last evaluated: 2025-06-05. Review status: criteria provided, single submitter. Criteria: GeneDx Variant Classification Process June 2021. Collection method: clinical testing. Allele origin: germline. Affected: yes.
Comment: Not observed at significant frequency in large population cohorts (gnomAD); In silico analysis supports that this missense variant has a deleterious effect on protein structure/function; This variant is associated with the following publications: (PMID: 37811145)